The following is an entry in ClinVar:

ClinVar aggregate classification (germline): Uncertain significance (1 of 4 stars; one submission).

Conditions:
Charcot-Marie-Tooth disease type 2. Also called: Charcot-Marie-Tooth type 2. Identifiers: Orphanet 64746, MedGen C0270914, MONDO:0018993.

gnomAD v4.1: 1 of 1,613,298 alleles (0.000062%); highest among the groups gnomAD compares: African/African-American, 0.0013%; no homozygotes.

Submission:

Labcorp Genetics (formerly Invitae), Labcorp
Classification: Uncertain significance for Charcot-Marie-Tooth disease type 2. Last evaluated: 2024-05-22. Review status: criteria provided, single submitter. Criteria: Invitae Variant Classification Sherloc (09022015). Collection method: clinical testing. Allele origin: germline.
Comment: This sequence change replaces proline, which is neutral and non-polar, with leucine, which is neutral and non-polar, at codon 1233 of the KIF1B protein (p.Pro1233Leu). This variant is present in population databases (rs771740779, gnomAD 0.007%). This variant has not been reported in the literature in individuals affected with KIF1B-related conditions. An algorithm developed to predict the effect of missense changes on protein structure and function (PolyPhen-2) suggests that this variant is likely to be disruptive. In summary, the available evidence is currently insufficient to determine the role of this variant in disease. Therefore, it has been classified as a Variant of Uncertain Significance.

NM_001365951.3(KIF1B):c.3836C>T (p.Pro1279Leu)

Gene: KIF1B (kinesin family member 1B; plus strand). Cytogenetic location: 1p36.22.
Variant type: single nucleotide variant.
Coding change: c.3836C>T on transcript NM_001365951.3 (MANE Select); coding-DNA position 3836, C replaced by T.
Protein change: p.Pro1279Leu; replaces proline 1279 with leucine.
Molecular consequence: missense variant.
Genome position (GRCh38, 1-based): chr1:10,347,799, C>T. VCF-style: chr1-10347799-C-T. GRCh37 (hg19) VCF-style: chr1-10407857-C-T.
Other names: c.3836C>T, p.Pro1279Leu (NM_001365952.1); c.3698C>T, p.Pro1233Leu (NM_015074.3); short protein forms P1233L, P1279L.
Identifiers: ClinVar variation 3720600 (VCV003720600.2).